The following is an entry in ClinVar:

NM_001164508.2(NEB):c.6523T>C (p.Trp2175Arg)

Gene: NEB (nebulin; minus strand). Cytogenetic location: 2q23.3.
Variant type: single nucleotide variant.
Coding change: c.6523T>C on transcript NM_001164508.2 (MANE Select); coding-DNA position 6523, T replaced by C.
Protein change: p.Trp2175Arg; replaces tryptophan 2175 with arginine.
Molecular consequence: missense variant.
Genome position (GRCh38, 1-based): chr2:151,655,996, A>G on the plus strand (T>C on the coding strand, the complement: NEB is on the minus strand). VCF-style: chr2-151655996-A-G. GRCh37 (hg19) VCF-style: chr2-152512510-A-G.
Other names: c.6523T>C, p.Trp2175Arg (NM_001164507.2, NM_001271208.2, NM_004543.5); short protein forms W2175R.
Identifiers: ClinVar variation 1422557 (VCV001422557.7), dbSNP rs1003397118, ClinGen allele CA57636150.
Genomic context (GRCh38, chr2:151,655,996, plus strand): 5'-CTTTCTTGGCCTTCTCCACTTCCAGAGAACCTGCTGGACTCCAGCCAAGCCCTTTGTACC[A>G]TTCATTGTAATCTTGCTTATATTCATTCTATAAAGAAGATAAGCAAATTCTACTTTATCT-3'
Protein context (NP_001157980.2, residues 2165-2185): DNEYKQDYNE[Trp2175Arg]YKGLGWSPAG

ClinVar aggregate classification (germline): Uncertain significance. Review status: criteria provided, multiple submitters, no conflicts (2 of 4 stars). 2 submissions from 2 submitters: Uncertain significance (2). Last evaluated 2022-06-13.

Conditions:
Nemaline myopathy 2 (NEM2). Also called: Nemaline myopathy 2, autosomal recessive. Identifiers: MedGen C1850569, MONDO:0009725, OMIM 256030.

Allele frequency attached by ClinVar (database versions not stated): TOPMed 0.00003; gnomAD exomes below 0.00001 and 0.00001; gnomAD 0.00001.

Submissions (2):

Labcorp Genetics (formerly Invitae), Labcorp
Classification: Uncertain significance for Nemaline myopathy 2. Last evaluated: 2022-06-13. Review status: criteria provided, single submitter. Criteria: Invitae Variant Classification Sherloc (09022015). Collection method: clinical testing. Allele origin: germline.
Comment: This sequence change replaces tryptophan, which is neutral and slightly polar, with arginine, which is basic and polar, at codon 2175 of the NEB protein (p.Trp2175Arg). This variant is present in population databases (no rsID available, gnomAD 0.0009%). This variant has not been reported in the literature in individuals affected with NEB-related conditions. Algorithms developed to predict the effect of missense changes on protein structure and function are either unavailable or do not agree on the potential impact of this missense change (SIFT: "Deleterious"; PolyPhen-2: "Not Available"; Align-GVGD: "Class C0"). In summary, the available evidence is currently insufficient to determine the role of this variant in disease. Therefore, it has been classified as a Variant of Uncertain Significance.

Revvity Omics, Revvity
Classification: Uncertain significance. Last evaluated: 2021-06-30. Review status: criteria provided, single submitter. Criteria: ACMG Guidelines, 2015. Collection method: clinical testing. Allele origin: germline.